The following is an entry in ClinVar:

ClinVar aggregate classification (germline): Uncertain significance (1 of 4 stars; one submission).

Allele frequency attached by ClinVar (database versions not stated): gnomAD exomes below 0.00001; gnomAD 0.00001.
gnomAD v4.1: 2 of 1,545,492 alleles (0.00013%); highest among the groups gnomAD compares: South Asian, 0.0022%; no homozygotes.

Submission:

Labcorp Genetics (formerly Invitae), Labcorp
Classification: Uncertain significance. Last evaluated: 2024-04-15. Review status: criteria provided, single submitter. Criteria: Invitae Variant Classification Sherloc (09022015). Collection method: clinical testing. Allele origin: germline.
Comment: This sequence change replaces threonine, which is neutral and polar, with alanine, which is neutral and non-polar, at codon 634 of the CTNNA1 protein (p.Thr634Ala). This variant is not present in population databases (gnomAD no frequency). This variant has not been reported in the literature in individuals affected with CTNNA1-related conditions. ClinVar contains an entry for this variant (Variation ID: 1967980). An algorithm developed to predict the effect of missense changes on protein structure and function (PolyPhen-2) suggests that this variant is likely to be tolerated. In summary, the available evidence is currently insufficient to determine the role of this variant in disease. Therefore, it has been classified as a Variant of Uncertain Significance.

NM_001903.5(CTNNA1):c.1900A>G (p.Thr634Ala)

Gene: CTNNA1 (catenin alpha 1; plus strand). Cytogenetic location: 5q31.2.
Variant type: single nucleotide variant.
Coding change: c.1900A>G on transcript NM_001903.5 (MANE Select); coding-DNA position 1900, A replaced by G.
Protein change: p.Thr634Ala; replaces threonine 634 with alanine.
Molecular consequence: missense variant.
Genome position (GRCh38, 1-based): chr5:138,929,246, A>G. VCF-style: chr5-138929246-A-G. GRCh37 (hg19) VCF-style: chr5-138264935-A-G.
Other names: c.1900A>G, p.Thr634Ala (NM_001290307.3, NM_001323982.2, NM_001323983.1 and 2 more transcripts); c.1591A>G, p.Thr531Ala (NM_001290309.3); c.1531A>G, p.Thr511Ala (NM_001290310.3); c.790A>G, p.Thr264Ala (NM_001290312.1, NM_001323997.1, NM_001323998.1 and 17 more transcripts); c.1807A>G, p.Thr603Ala (NM_001323986.2); c.451A>G, p.Thr151Ala (NM_001324006.1, NM_001324007.1, NM_001324008.1 and 2 more transcripts); c.697A>G, p.Thr233Ala (NM_001324011.1); c.547A>G, p.Thr183Ala (NM_001324012.1, NM_001324013.1); short protein forms T151A, T634A, T511A, T183A, T264A, T531A, T233A, T603A.
Identifiers: ClinVar variation 1967980 (VCV001967980.5), dbSNP rs1764792068, ClinGen allele CA361132669.